The following is an entry in ClinVar:

ClinVar aggregate classification (germline): Pathogenic. Review status: criteria provided, multiple submitters, no conflicts (2 of 4 stars). 12 submissions from 12 submitters: Pathogenic (11). 1 of the submissions does not count toward it. Last evaluated 2026-06-15.

Conditions:
Inborn genetic diseases. Identifiers: MedGen C0950123, MeSH D030342.
COL4A3-related disorder. Also called: COL4A3-related condition; COL4A3-Related Disorders.
Autosomal dominant Alport syndrome (ATS3A). Also called: Alport syndrome dominant type; Renal failure and sensorineural hearing loss; ALPORT SYNDROME 3A, AUTOSOMAL DOMINANT. Identifiers: Orphanet 63, Orphanet 88918, MedGen C5882663, MONDO:0007086, OMIM 104200.
Hematuria, benign familial, 2 (BFH2). Identifiers: MedGen C5830421, MONDO:0958186, OMIM 620320.
Alport syndrome 3b, autosomal recessive. Identifiers: MedGen C5882699, MONDO:0957811, OMIM 620536.
Alport syndrome. Also called: Hemorrhagic familial nephritis; Hemorrhagic hereditary nephritis; Congenital hereditary hematuria. Identifiers: Orphanet 63, MedGen C1567741, MONDO:0018965.
Autosomal recessive Alport syndrome (ATS2). Also called: COL4A3-Related Nephropathy; COL4A4 Alport Syndrome and Thin Basement Membrane Nephropathy; ALPORT SYNDROME 2, AUTOSOMAL RECESSIVE; Alport syndrome type 2. Identifiers: Orphanet 63, Orphanet 88919, MedGen C4746745, MONDO:0008762, OMIM 203780.

Submissions (12):

GeneDx
Classification: Pathogenic. Last evaluated: 2026-06-15. Review status: criteria provided, single submitter. Criteria: GeneDx Variant Classification Process June 2021. Collection method: clinical testing. Allele origin: germline.
Comment: Frameshift variant predicted to result in protein truncation or nonsense mediated decay in a gene for which loss of function is a known mechanism of disease; This variant is associated with the following publications: (PMID: 24854265, 30665703, 24052634)

PreventionGenetics, part of Exact Sciences
Classification: Pathogenic for COL4A3-related condition. Last evaluated: 2026-02-27. Review status: criteria provided, single submitter. Criteria: ACMG Guidelines, 2015. Collection method: clinical testing. Allele origin: germline.
Comment: The COL4A3 c.2768_2778del11 variant is predicted to result in a frameshift and premature protein termination (p.Val923Glufs*13). This variant has been reported in the homozygous or compound heterozygous state in several individuals with autosomal recessive Alport syndrome (Storey et al. 2013. PubMed ID: 24052634; Supplementary Table 1, Morinière et al. 2014. PubMed ID: 24854265). This variant is reported in 0.0044% of alleles in individuals of European (Non-Finnish) descent in gnomAD. Frameshift variants in COL4A3 are expected to be pathogenic. This variant is interpreted as pathogenic for both autosomal dominant and recessive COL4A3-related Alport syndrome spectrum disorders.

CeGaT Center for Human Genetics Tuebingen
Classification: Pathogenic. Last evaluated: 2026-01-01. Review status: criteria provided, single submitter. Criteria: CeGaT Center For Human Genetics Tuebingen Variant Classification Criteria Version 2. Collection method: clinical testing. Allele origin: germline. Affected: yes. Observed: 1 variant allele.
Comment: COL4A3: PVS1, PM3:Strong, PM2

Natera, Inc.
Classification: Pathogenic for Alport syndrome. Last evaluated: 2025-12-13. Review status: criteria provided, single submitter. Criteria: Natera Variant Classification Schema (03/2026). Collection method: clinical testing. Allele origin: germline.
Comment: The c.2768_2778delTAAAGGGCCAG variant in COL4A3 is a frameshift variant predicted to shift the reading frame beginning at codon 923 and leads to a stop codon 13 codons downstream. This variant is expected to result in nonsense mediated decay, truncation, or a dysfunctional protein product. This variant is rare in the general population with a frequency below the threshold expected for the associated phenotype(s). This variant has been observed in one or more individuals affected with the associated recessive disease, as either homozygous or compound heterozygous with a second variant (PMID: 24052634). Given the available evidence, this variant is classified as Pathogenic.

Mayo Clinic Laboratories, Mayo Clinic
Classification: Pathogenic. Last evaluated: 2025-11-05. Review status: criteria provided, single submitter. Criteria: ACMG Guidelines, 2015. Collection method: clinical testing. Allele origin: germline. Observed: 1 variant allele.
Comment: PP4, PM3_strong, PVS1

Blueprint Genetics
Classification: Pathogenic for COL4A3-related disorders. Last evaluated: 2024-08-16. Review status: criteria provided, single submitter. Criteria: ACMG Guidelines, 2015. Collection method: clinical testing. Allele origin: germline. Affected: yes. Observed: 4 variant alleles.

Fulgent Genetics
Classification: Pathogenic for Autosomal dominant Alport syndrome; Hematuria, benign familial, 2; Alport syndrome 3b, autosomal recessive. Last evaluated: 2024-06-15. Review status: criteria provided, single submitter. Criteria: ACMG Guidelines, 2015. Collection method: clinical testing. Allele origin: germline.

Ambry Genetics
Classification: Pathogenic for Inborn genetic diseases. Last evaluated: 2024-04-18. Review status: criteria provided, single submitter. Criteria: Ambry Variant Classification Scheme 2023. Collection method: clinical testing. Allele origin: germline.
Comment: The c.2768_2778del11 (p.V923Efs*13) alteration, located in exon 34 (coding exon 34) of the COL4A3 gene, consists of a deletion of 11 nucleotides from position 2768 to 2778, causing a translational frameshift with a predicted alternate stop codon after 13 amino acids. This alteration is expected to result in loss of function by premature protein truncation or nonsense-mediated mRNA decay. Based on data from gnomAD, this allele has an overall frequency of 0.002% (5/249328) total alleles studied. The highest observed frequency was 0.004% (5/113144) of European (non-Finnish) alleles. This variant has been identified in the homozygous state and in conjunction with other COL4A3 variants in individuals suspected of having Alport syndrome based on clinical features or based on glomerular basement membrane appearance (Storey, 2013; Morini&egrave;re, 2014). Based on the available evidence, this alteration is classified as pathogenic.

Labcorp Genetics (formerly Invitae), Labcorp
Classification: Pathogenic. Last evaluated: 2024-02-17. Review status: criteria provided, single submitter. Criteria: Invitae Variant Classification Sherloc (09022015). Collection method: clinical testing. Allele origin: germline.
Comment: This sequence change creates a premature translational stop signal (p.Val923Glufs*13) in the COL4A3 gene. It is expected to result in an absent or disrupted protein product. Loss-of-function variants in COL4A3 are known to be pathogenic (PMID: 8956999, 24854265, 26809805, 27281700). This variant is present in population databases (rs766306957, gnomAD 0.005%). This premature translational stop signal has been observed in individual(s) with Alport syndrome (PMID: 24052634, 24854265). In at least one individual the data is consistent with being in trans (on the opposite chromosome) from a pathogenic variant. ClinVar contains an entry for this variant (Variation ID: 551819). For these reasons, this variant has been classified as Pathogenic.

Women's Health and Genetics/Laboratory Corporation of America, LabCorp
Classification: Pathogenic for Alport syndrome autosomal recessive. Last evaluated: 2019-02-04. Review status: criteria provided, single submitter. Criteria: LabCorp Variant Classification Summary - May 2015. Collection method: clinical testing. Allele origin: germline.
Comment: Variant summary: COL4A3 c.2768_2778del11 (p.Val923GlufsX13) results in a premature termination codon, predicted to cause a truncation of the encoded protein or absence of the protein due to nonsense mediated decay, which are commonly known mechanisms for disease. The variant allele was found at a frequency of 2.4e-05 in 246024 control chromosomes (gnomAD). c.2768_2778del11 has been reported in the literature in homozygous and compound heterozygous individuals affected with Alport Syndrome, autosomal recessive (Storey 2013, Moriniere 2014). These data indicate that the variant is likely to be associated with disease. To our knowledge, no experimental evidence demonstrating an impact on protein function has been reported. Two clinical diagnostic laboratories have submitted clinical-significance assessments for this variant to ClinVar after 2014 without evidence for independent evaluation, and both of them classified the variant as pathogenic. Based on the evidence outlined above, the variant was classified as pathogenic.

Eurofins Ntd Llc (ga)
Classification: Pathogenic. Last evaluated: 2017-09-20. Review status: criteria provided, single submitter. Criteria: EGL Classification Definitions 2015. Collection method: clinical testing. Allele origin: germline. Observed: 2 variant alleles, 2 heterozygotes.

Counsyl
Classification: Pathogenic for Autosomal recessive Alport syndrome. Last evaluated: 2017-05-08. Review status: no assertion criteria provided. Collection method: clinical testing. Allele origin: unknown. Not counted in ClinVar's aggregate classification.

Literature cited by the submitters: PubMed 24052634 (cited by 7 submitters); PubMed 24854265 (cited by 5 submitters); PubMed 8956999 (cited by Labcorp Genetics (formerly Invitae), Labcorp); PubMed 26809805 (cited by Labcorp Genetics (formerly Invitae), Labcorp); PubMed 27281700 (cited by Labcorp Genetics (formerly Invitae), Labcorp).

NM_000091.5(COL4A3):c.2768_2778del (p.Val923fs)

Genes: COL4A3 (collagen type IV alpha 3 chain; plus strand), MFF-DT (MFF divergent transcript; minus strand). Cytogenetic location: 2q36.3.
Variant type: Deletion.
Coding change: c.2768_2778del on transcript NM_000091.5 (MANE Select); coding-DNA positions 2768 to 2778, 11 bases deleted (TAAAGGGCCAG).
Protein change: p.Val923fs; shifts the reading frame from valine 923.
Molecular consequence: frameshift variant.
Genome position (GRCh38, 1-based): chr2:227,284,232-227,284,242, TAAAGGGCCAG deleted; deleting any 11 consecutive bases within chr2:227,284,230-227,284,242 gives the same sequence; the c. name uses the placement nearest the transcript's 3' end. VCF-style (leftmost placement, unchanged base first): chr2-227284229-GAGTAAAGGGCC-G. GRCh37 (hg19) VCF-style: chr2-228148945-GAGTAAAGGGCC-G.
Other names: p.Val923Glufs*13; c.2768_2778delTAAAGGGCCAG (NM_000091.4); c.2768_2778del11 (NM_000091.4); short protein forms V923fs.
Identifiers: ClinVar variation 551819 (VCV000551819.28), dbSNP rs766306957, ClinGen allele CA2147027.